The following is an entry in ClinVar:

ClinVar aggregate classification (germline): Uncertain significance (1 of 4 stars; one submission).

Conditions:
Hereditary cancer-predisposing syndrome. Also called: Neoplastic Syndromes, Hereditary; Tumor predisposition; Hereditary Cancer Syndrome; Hereditary neoplastic syndrome. Identifiers: Orphanet 140162, MedGen C0027672, MeSH D009386, MONDO:0015356.

Submission:

Ambry Genetics
Classification: Uncertain significance for Hereditary cancer-predisposing syndrome. Last evaluated: 2025-09-29. Review status: criteria provided, single submitter. Criteria: Ambry Variant Classification Scheme 2023. Collection method: clinical testing. Allele origin: germline.
Comment: The p.I2105T variant (also known as c.6314T>C), located in coding exon 10 of the BRCA2 gene, results from a T to C substitution at nucleotide position 6314. The isoleucine at codon 2105 is replaced by threonine, an amino acid with similar properties. This amino acid position is conserved. In addition, this alteration is predicted to be tolerated by in silico analysis. Based on the available evidence, the clinical significance of this variant remains unclear.

NM_000059.4(BRCA2):c.6314T>C (p.Ile2105Thr)

Gene: BRCA2 (BRCA2 DNA repair associated; plus strand). Cytogenetic location: 13q13.1.
Variant type: single nucleotide variant.
Coding change: c.6314T>C on transcript NM_000059.4 (MANE Select); coding-DNA position 6314, T replaced by C.
Protein change: p.Ile2105Thr; replaces isoleucine 2105 with threonine.
Molecular consequence: missense variant. On other transcripts: non-coding transcript variant (1), intron variant (2).
Genome position (GRCh38, 1-based): chr13:32,340,669, T>C. VCF-style: chr13-32340669-T-C. GRCh37 (hg19) VCF-style: chr13-32914806-T-C.
Other names: c.6314T>C, p.Ile2105Thr (NM_001406719.1, NM_001406720.1, NM_001432077.1); c.1910-3889T>C (NM_001406721.1); c.425-3889T>C (NM_001406722.1); short protein forms I2105T.
Identifiers: ClinVar variation 4628630 (VCV004628630.1).